The following is an entry in ClinVar:

NM_001330311.2(DVL1):c.1949C>T (p.Ala650Val)

Gene: DVL1 (dishevelled segment polarity protein 1; minus strand). Cytogenetic location: 1p36.33.
Variant type: single nucleotide variant.
Coding change: c.1949C>T on transcript NM_001330311.2 (MANE Select); coding-DNA position 1949, C replaced by T.
Protein change: p.Ala650Val; replaces alanine 650 with valine.
Molecular consequence: missense variant.
Genome position (GRCh38, 1-based): chr1:1,336,281, G>A on the plus strand (C>T on the coding strand, the complement: DVL1 is on the minus strand). VCF-style: chr1-1336281-G-A. GRCh37 (hg19) VCF-style: chr1-1271661-G-A.
Other names: c.1874C>T, p.Ala625Val (NM_004421.3); short protein forms A650V, A625V.
Identifiers: ClinVar variation 2065537 (VCV002065537.4), dbSNP rs750475116, ClinGen allele CA519761.

ClinVar aggregate classification (germline): Uncertain significance (1 of 4 stars; one submission).

Allele frequency attached by ClinVar (database versions not stated): TOPMed 0.00002; gnomAD exomes 0.00002; ExAC 0.00004.
gnomAD v4.1: 24 of 1,564,146 alleles (0.0015%); highest among the groups gnomAD compares: Non-Finnish European, 0.0021%; no homozygotes.

Submission:

Labcorp Genetics (formerly Invitae), Labcorp
Classification: Uncertain significance. Last evaluated: 2024-09-11. Review status: criteria provided, single submitter. Criteria: Invitae Variant Classification Sherloc (09022015). Collection method: clinical testing. Allele origin: germline.
Comment: This sequence change replaces alanine, which is neutral and non-polar, with valine, which is neutral and non-polar, at codon 625 of the DVL1 protein (p.Ala625Val). The frequency data for this variant in the population databases is considered unreliable, as metrics indicate poor data quality at this position in the gnomAD database. This variant has not been reported in the literature in individuals affected with DVL1-related conditions. ClinVar contains an entry for this variant (Variation ID: 2065537). Invitae Evidence Modeling of protein sequence and biophysical properties (such as structural, functional, and spatial information, amino acid conservation, physicochemical variation, residue mobility, and thermodynamic stability) indicates that this missense variant is not expected to disrupt DVL1 protein function with a negative predictive value of 80%. In summary, the available evidence is currently insufficient to determine the role of this variant in disease. Therefore, it has been classified as a Variant of Uncertain Significance.